The following is an entry in ClinVar:

ClinVar aggregate classification (germline): Likely benign. Review status: criteria provided, multiple submitters, no conflicts (2 of 4 stars). 2 submissions from 2 submitters: Likely benign (2). Last evaluated 2025-10-27.

gnomAD v4.1: 4 of 1,578,000 alleles (0.00025%); highest among the groups gnomAD compares: Non-Finnish European, 0.00035%; no homozygotes.

Submissions (2):

Labcorp Genetics (formerly Invitae), Labcorp
Classification: Likely benign. Last evaluated: 2025-10-27. Review status: criteria provided, single submitter. Criteria: Invitae Variant Classification Sherloc (09022015). Collection method: clinical testing. Allele origin: germline.

GeneDx
Classification: Likely benign. Last evaluated: 2017-06-27. Review status: criteria provided, single submitter. Criteria: GeneDx Variant Classification (06012015). Collection method: clinical testing. Allele origin: germline. Affected: yes.
Comment: This variant is considered likely benign or benign based on one or more of the following criteria: it is a conservative change, it occurs at a poorly conserved position in the protein, it is predicted to be benign by multiple in silico algorithms, and/or has population frequency not consistent with disease.

NM_130837.3(OPA1):c.2441-13T>A

Gene: OPA1 (OPA1 mitochondrial dynamin like GTPase; plus strand). Cytogenetic location: 3q29.
Variant type: single nucleotide variant.
Coding change: c.2441-13T>A on transcript NM_130837.3 (MANE Select); 13 bases into the intron before coding-DNA position 2441, T replaced by A.
Molecular consequence: intron variant.
Genome position (GRCh38, 1-based): chr3:193,659,469, T>A. VCF-style: chr3-193659469-T-A. GRCh37 (hg19) VCF-style: chr3-193377258-T-A.
Other names: c.1904-13T>A (NM_001354664.2); c.1907-13T>A (NM_001354663.2); c.2330-13T>A (NM_130834.3); c.2387-13T>A (NM_130836.3); c.2276-13T>A (NM_015560.3); c.2333-13T>A (NM_130835.3); c.2222-13T>A (NM_130832.3); c.2279-13T>A (NM_130833.3); and 1 more.
Identifiers: ClinVar variation 508016 (VCV000508016.4), dbSNP rs773828534, ClinGen allele CA658796411.
Genomic context (GRCh38, chr3:193,659,469, plus strand): 5'-CAAGACCATTATTAGTTATAATTTGTGTGTGTGTAAGTGATAAAATTCTTGATTAATTAA[T>A]TTTTTTTTCTAGCTGAAAATGCAATTGAAAACATGGTGGGTCCAGACTGGAAAAAGAGGT-3'